The following is an entry in ClinVar:

NM_138477.4(CDAN1):c.3451-14G>A

Gene: CDAN1 (codanin 1; minus strand). Cytogenetic location: 15q15.2.
Variant type: single nucleotide variant.
Coding change: c.3451-14G>A on transcript NM_138477.4 (MANE Select); 14 bases into the intron before coding-DNA position 3451, G replaced by A.
Molecular consequence: intron variant.
Genome position (GRCh38, 1-based): chr15:42,725,265, C>T on the plus strand (G>A on the coding strand, the complement: CDAN1 is on the minus strand). VCF-style: chr15-42725265-C-T. GRCh37 (hg19) VCF-style: chr15-43017463-C-T.
Identifiers: ClinVar variation 1906914 (VCV001906914.5), dbSNP rs1449850494, ClinGen allele CA618002198.

ClinVar aggregate classification (germline): Uncertain significance (1 of 4 stars; one submission).

gnomAD v4.1: 12 of 1,611,944 alleles (0.00074%); highest among the groups gnomAD compares: African/African-American, 0.0067%; no homozygotes.

Submission:

Labcorp Genetics (formerly Invitae), Labcorp
Classification: Uncertain significance. Last evaluated: 2022-07-02. Review status: criteria provided, single submitter. Criteria: Invitae Variant Classification Sherloc (09022015). Collection method: clinical testing. Allele origin: germline.
Comment: This variant is present in population databases (no rsID available, gnomAD 0.003%). In summary, the available evidence is currently insufficient to determine the role of this variant in disease. Therefore, it has been classified as a Variant of Uncertain Significance. Algorithms developed to predict the effect of sequence changes on RNA splicing suggest that this variant may create or strengthen a splice site. This variant has not been reported in the literature in individuals affected with CDAN1-related conditions. This sequence change falls in intron 26 of the CDAN1 gene. It does not directly change the encoded amino acid sequence of the CDAN1 protein.